The following is an entry in ClinVar:

NM_014055.4(IFT81):c.1645-2A>G

Gene: IFT81 (intraflagellar transport 81; plus strand). Cytogenetic location: 12q24.11.
Variant type: single nucleotide variant.
Coding change: c.1645-2A>G on transcript NM_014055.4 (MANE Select); the canonical splice acceptor site of the intron before coding-DNA position 1645, A replaced by G.
Molecular consequence: splice acceptor variant.
Genome position (GRCh38, 1-based): chr12:110,205,441, A>G. VCF-style: chr12-110205441-A-G. GRCh37 (hg19) VCF-style: chr12-110643246-A-G.
Other names: c.715-2A>G (NM_001347948.2, NM_001347947.2); c.1645-2A>G (NM_001143779.2).
Identifiers: ClinVar variation 2997258 (VCV002997258.3), dbSNP rs1254806143, ClinGen allele CA386908930.

ClinVar aggregate classification (germline): Likely pathogenic (1 of 4 stars; one submission).

Allele frequency attached by ClinVar (database versions not stated): gnomAD exomes below 0.00001; TOPMed below 0.00001; gnomAD 0.00001.
gnomAD v4.1: 3 of 1,588,020 alleles (0.00019%); highest among the groups gnomAD compares: Non-Finnish European, 0.00017%; no homozygotes.

Submission:

Labcorp Genetics (formerly Invitae), Labcorp
Classification: Likely pathogenic. Last evaluated: 2023-09-27. Review status: criteria provided, single submitter. Criteria: Invitae Variant Classification Sherloc (09022015). Collection method: clinical testing. Allele origin: germline.
Comment: In summary, the currently available evidence indicates that the variant is pathogenic, but additional data are needed to prove that conclusively. Therefore, this variant has been classified as Likely Pathogenic. Algorithms developed to predict the effect of sequence changes on RNA splicing suggest that this variant may disrupt the consensus splice site. This variant has not been reported in the literature in individuals affected with IFT81-related conditions. This variant is present in population databases (no rsID available, gnomAD 0.007%). This sequence change affects an acceptor splice site in intron 15 of the IFT81 gene. It is expected to disrupt RNA splicing. Variants that disrupt the donor or acceptor splice site typically lead to a loss of protein function (PMID: 16199547), and loss-of-function variants in IFT81 are known to be pathogenic (PMID: 26275418, 27666822).

Literature cited by the submitters: PubMed 16199547; PubMed 26275418; PubMed 27666822.